The following is an entry in ClinVar:

ClinVar aggregate classification (germline): Likely pathogenic (1 of 4 stars; one submission).

Conditions:
Retinal disorder. Also called: Retinopathy; Retinopathies; Retinal Diseases; Retinal disorders. Identifiers: MedGen C0035309, MONDO:0005283, HP:0000488.

Submission:

North West Genomic Laboratory Hub, Manchester University NHS Foundation Trust
Classification: Likely pathogenic for Retinal disorders. Last evaluated: 2026-02-16. Review status: criteria provided, single submitter. Criteria: ACGS Best Practice Guidelines for Variant Classification in Rare Disease 2024. Collection method: clinical testing. Allele origin: germline. Affected: yes.
Comment: PVS1_Str PM2_Mod

NM_000539.3(RHO):c.679_686del (p.Val227fs)

Gene: RHO (rhodopsin; plus strand). Cytogenetic location: 3q22.1.
Variant type: Deletion.
Coding change: c.679_686del on transcript NM_000539.3 (MANE Select); coding-DNA positions 679 to 686, 8 bases deleted (GTCTTCAC; older notation c.679_686delGTCTTCAC).
Protein change: p.Val227fs; shifts the reading frame from valine 227.
Molecular consequence: frameshift variant.
Genome position (GRCh38, 1-based): chr3:129,532,399-129,532,406, GTCTTCAC deleted; deleting any 8 consecutive bases within chr3:129,532,398-129,532,406 gives the same sequence; the c. name uses the placement nearest the transcript's 3' end. VCF-style (leftmost placement, unchanged base first): chr3-129532397-TCGTCTTCA-T. GRCh37 (hg19) VCF-style: chr3-129251240-TCGTCTTCA-T.
Other names: short protein forms V227fs.
Identifiers: ClinVar variation 5010135 (VCV005010135.1).